The following is an entry in ClinVar:

ClinVar aggregate classification (germline): Pathogenic. Review status: reviewed by expert panel (3 of 4 stars). 12 submissions from 12 submitters: Pathogenic (1). 11 of the submissions do not count toward it. Last evaluated 2016-09-08.

Conditions:
Hereditary breast ovarian cancer syndrome. Also called: Hereditary breast and ovarian cancer syndrome; Hereditary breast and ovarian cancer; Hereditary breast and ovarian cancer syndrome (HBOC); Breast and ovarian cancer; Hereditary breast and/or ovarian cancer syndrome; BRCA1- and BRCA2-Associated Hereditary Breast and Ovarian Cancer. Identifiers: Orphanet 145, MedGen C0677776, MeSH D061325, MONDO:0003582. Disease mechanism: loss of function.
Hereditary cancer-predisposing syndrome. Also called: Neoplastic Syndromes, Hereditary; Tumor predisposition; Hereditary neoplastic syndrome; Hereditary Cancer Syndrome. Identifiers: Orphanet 140162, MedGen C0027672, MeSH D009386, MONDO:0015356.
Breast-ovarian cancer, familial, susceptibility to, 2 (BROVCA2). Also called: BRCA2 Hereditary Breast and Ovarian Cancer. Identifiers: Orphanet 145, MedGen C2675520, MONDO:0012933, OMIM 612555. Disease mechanism: loss of function.
Familial cancer of breast. Also called: BREAST CANCER, FAMILIAL; Hereditary breast cancer; hereditary breast carcinoma. Identifiers: Orphanet 227535, MedGen C0346153, MONDO:0016419, OMIM 114480. Disease mechanism: loss of function.

Submissions (12):

Evidence-based Network for the Interpretation of Germline Mutant Alleles (ENIGMA)
Classification: Pathogenic for Breast-ovarian cancer, familial, susceptibility to, 2. Last evaluated: 2016-09-08. Review status: reviewed by expert panel. Criteria: ENIGMA BRCA1/2 Classification Criteria (2015). Collection method: curation. Allele origin: germline.
Comment: Variant allele predicted to encode a truncated non-functional protein.

Labcorp Genetics (formerly Invitae), Labcorp
Classification: Pathogenic for Hereditary breast ovarian cancer syndrome. Last evaluated: 2025-10-15. Review status: criteria provided, single submitter. Criteria: Invitae Variant Classification Sherloc (09022015). Collection method: clinical testing. Allele origin: germline. Not counted in ClinVar's aggregate classification.
Comment: This sequence change creates a premature translational stop signal (p.Trp2830*) in the BRCA2 gene. It is expected to result in an absent or disrupted protein product. Loss-of-function variants in BRCA2 are known to be pathogenic (PMID: 20104584). This variant is not present in population databases (gnomAD no frequency). This premature translational stop signal has been observed in individual(s) with high risk of hereditary breast and ovarian cancer (HBOC) syndrome (PMID: 29446198, 29907814). ClinVar contains an entry for this variant (Variation ID: 52605). Algorithms developed to predict the effect of sequence changes on RNA splicing suggest that this variant may create or strengthen a splice site. For these reasons, this variant has been classified as Pathogenic.

Ambry Genetics
Classification: Pathogenic for Hereditary cancer-predisposing syndrome. Last evaluated: 2025-01-30. Review status: criteria provided, single submitter. Criteria: Ambry Variant Classification Scheme 2023. Collection method: clinical testing. Allele origin: germline. Not counted in ClinVar's aggregate classification.
Comment: The p.W2830* pathogenic mutation (also known as c.8489G>A), located in coding exon 19 of the BRCA2 gene, results from a G to A substitution at nucleotide position 8489. This changes the amino acid from a tryptophan to a stop codon within coding exon 19. This alteration has been reported in at least 2 unrelated hereditary breast and/or ovarian cancer families (Palmero EI et al. Sci Rep, 2018 06;8:9188; Rebbeck TR et al. Hum. Mutat., 2018 05;39:593-620). This variant is considered to be rare based on population cohorts in the Genome Aggregation Database (gnomAD). In addition to the clinical data presented in the literature, this alteration is expected to result in loss of function by premature protein truncation or nonsense-mediated mRNA decay. As such, this alteration is interpreted as a disease-causing mutation.

Women's Health and Genetics/Laboratory Corporation of America, LabCorp
Classification: Pathogenic for Hereditary breast ovarian cancer syndrome. Last evaluated: 2023-11-20. Review status: criteria provided, single submitter. Criteria: LabCorp Variant Classification Summary - May 2015. Collection method: clinical testing. Allele origin: germline. Not counted in ClinVar's aggregate classification.
Comment: Variant summary: BRCA2 c.8489G>A (p.Trp2830X) results in a premature termination codon, predicted to cause a truncation of the encoded protein or absence of the protein due to nonsense mediated decay, which are commonly known mechanisms for disease. The variant was absent in 251188 control chromosomes. c.8489G>A has been reported in the literature in individuals at increased risk of Hereditary Breast And Ovarian Cancer Syndrome (e.g. Rebbeck_2018). To our knowledge, no experimental evidence demonstrating an impact on protein function has been reported. The following publication has been ascertained in the context of this evaluation (PMID: 29446198). Seven submitters, including an expert panel (ENIGMA), have cited clinical-significance assessments for this variant to ClinVar after 2014. All submitters classified the variant as pathogenic. Based on the evidence outlined above, the variant was classified as pathogenic.

GeneDx
Classification: Pathogenic. Last evaluated: 2023-08-02. Review status: criteria provided, single submitter. Criteria: GeneDx Variant Classification Process June 2021. Collection method: clinical testing. Allele origin: germline. Affected: yes. Not counted in ClinVar's aggregate classification.
Comment: Observed in individuals with a personal or family history consistent with pathogenic variants in this gene (Palmero et al., 2018; Rebbeck et al., 2018); Not observed at significant frequency in large population cohorts (gnomAD); Truncating variants in this gene are considered pathogenic by a well-established clinical consortium and/or database; Nonsense variant predicted to result in protein truncation or nonsense mediated decay in a gene for which loss of function is a known mechanism of disease; Also known as 8717G>A; This variant is associated with the following publications: (PMID: 29446198, 29907814, 30760827, 20104584, 31853058)

Baylor Genetics
Classification: Pathogenic for Familial cancer of breast. Last evaluated: 2022-04-05. Review status: criteria provided, single submitter. Criteria: ACMG Guidelines, 2015. Collection method: clinical testing. Allele origin: unknown. Not counted in ClinVar's aggregate classification.

Color Diagnostics, LLC DBA Color Health
Classification: Pathogenic for Hereditary cancer-predisposing syndrome. Last evaluated: 2021-09-15. Review status: criteria provided, single submitter. Criteria: ACMG Guidelines, 2015. Collection method: clinical testing. Allele origin: germline. Not counted in ClinVar's aggregate classification.
Comment: This variant causes a nonsense mutation in exon 20 of the BRCA2 gene, creating a premature translation stop signal. This variant is expected to result in an absent or non-functional protein product. To our knowledge, functional studies have not been reported for this variant. This variant has been reported in suspected hereditary breast and ovarian cancer families (PMID: 29446198, 29907814). A different mutation resulting in the same nonsense codon has been reported in an individual affected with breast and/or ovarian cancer (PMID: 27165220). This variant has not been identified in the general population by the Genome Aggregation Database (gnomAD). Loss of BRCA2 function is a known mechanism of disease. Based on the available evidence, this variant is classified as Pathogenic.

Quest Diagnostics Nichols Institute San Juan Capistrano
Classification: Pathogenic. Last evaluated: 2019-07-12. Review status: criteria provided, single submitter. Criteria: Quest Diagnostics criteria. Collection method: clinical testing. Allele origin: germline. Not counted in ClinVar's aggregate classification.
Comment: The variant creates a premature nonsense codon, and is therefore predicted to result in the loss of a functional protein. Found in at least one symptomatic patient, and not found in general population data.

Consortium of Investigators of Modifiers of BRCA1/2 (CIMBA), c/o University of Cambridge
Classification: Pathogenic for Breast-ovarian cancer, familial, susceptibility to, 2. Last evaluated: 2015-10-02. Review status: criteria provided, single submitter. Criteria: CIMBA Mutation Classification guidelines May 2016. Collection method: clinical testing. Allele origin: germline. Not counted in ClinVar's aggregate classification.

Laboratory for Molecular Medicine, Mass General Brigham Personalized Medicine
Classification: Pathogenic for Hereditary breast ovarian cancer syndrome. Last evaluated: 2015-03-23. Review status: criteria provided, single submitter. Criteria: LMM Criteria. Collection method: clinical testing. Allele origin: germline. Inheritance: Autosomal dominant inheritance. Observed: 1 variant allele. Not counted in ClinVar's aggregate classification.
Comment: The p.Trp2830X variant in BRCA2 has not been previously reported in individuals with cancer or in large population studies. This nonsense variant leads to a pre mature termination codon at position 2830, which is predicted to lead to a trunc ated or absent protein. Heterozygous loss of BRCA2 function is an established di sease mechanism in BRCA2-associated cancers. In summary, the p.Trp2830X variant is pathogenic for BRCA2-associated cancers in an autosomal dominant manner based upon its predicated impact to the protein and absence in controls.

Sharing Clinical Reports Project (SCRP)
Classification: Pathogenic for Breast-ovarian cancer, familial 2. Last evaluated: 2010-10-27. Review status: no assertion criteria provided. Collection method: clinical testing. Allele origin: germline. Not counted in ClinVar's aggregate classification.

Breast Cancer Information Core (BIC) (BRCA2)
Classification: Pathogenic for Breast-ovarian cancer, familial 2. Last evaluated: 2004-02-20. Review status: no assertion criteria provided. Collection method: clinical testing. Allele origin: germline. Affected: yes. Observed: 2 variant alleles. Not counted in ClinVar's aggregate classification.

Literature cited by the submitters: PubMed 20104584 (cited by Labcorp Genetics (formerly Invitae), Labcorp); PubMed 29446198 (cited by 5 submitters); PubMed 29907814 (cited by 4 submitters); PubMed 27165220 (cited by Color Diagnostics, LLC DBA Color Health); PubMed 30760827 (cited by Quest Diagnostics Nichols Institute San Juan Capistrano).

NM_000059.4(BRCA2):c.8489G>A (p.Trp2830Ter)

Gene: BRCA2 (BRCA2 DNA repair associated; plus strand). Cytogenetic location: 13q13.1.
Variant type: single nucleotide variant.
Coding change: c.8489G>A on transcript NM_000059.4 (MANE Select); coding-DNA position 8489, G replaced by A.
Protein change: p.Trp2830Ter; replaces tryptophan 2830 with a stop codon.
Molecular consequence: nonsense.
Genome position (GRCh38, 1-based): chr13:32,370,957, G>A. VCF-style: chr13-32370957-G-A. GRCh37 (hg19) VCF-style: chr13-32945094-G-A.
Other names: 8717G>A; short protein forms W2830*.
Identifiers: ClinVar variation 52605 (VCV000052605.28), dbSNP rs80359101, ClinGen allele CA025679.
Genomic context (GRCh38, chr13:32,370,957, plus strand): 5'-ACAATTAACTTGAATGTTATATATGTGACTTTTTTGGTGTGTGTAACACATTATTACAGT[G>A]GATGGAGAAGACATCATCTGGATTATACATATTTCGCAATGAAAGAGAGGAAGAAAAGGA-3'